The following is an entry in ClinVar:

NM_001379200.1(TBX1):c.1414_1415del (p.Ala472fs)

Gene: TBX1 (T-box transcription factor 1; plus strand). Cytogenetic location: 22q11.21.
Variant type: Deletion.
Coding change: c.1414_1415del on transcript NM_001379200.1 (MANE Select); coding-DNA positions 1414 to 1415, 2 bases deleted (GC; older notation c.1414_1415delGC).
Protein change: p.Ala472fs; shifts the reading frame from alanine 472.
Molecular consequence: frameshift variant. On other transcripts: intron variant (2).
Genome position (GRCh38, 1-based): chr22:19,766,766-19,766,767, GC deleted; deleting any 2 consecutive bases within chr22:19,766,765-19,766,767 gives the same sequence; the c. name uses the placement nearest the transcript's 3' end. VCF-style (leftmost placement, unchanged base first): chr22-19766764-CCG-C. GRCh37 (hg19) VCF-style: chr22-19754287-CCG-C.
Other names: c.1387_1388del, p.Ala463fs (NM_080647.1); c.1009+764_1009+765del (NM_005992.1, NM_080646.2); short protein forms A463fs, A472fs.
Identifiers: ClinVar variation 2754486 (VCV002754486.3), dbSNP rs2517859480, ClinGen allele CA2697547640.
Genomic context (GRCh38, chr22:19,766,764, plus strand): 5'-GTGGCCACGGCTACCACCCGCACGCGCATCCGCACCACCACCACCACCCCGTGAGTCCAG[CCG>C]CCGCGGCCGCCGCCGCCGCTGCCGCAGCTGCCGCGGCCGCCAACATGTACTCGTCGGCCG-3'

ClinVar aggregate classification (germline): Uncertain significance (1 of 4 stars; one submission).

Conditions:
DiGeorge syndrome. Also called: Catch22; THIRD AND FOURTH PHARYNGEAL POUCH SYNDROME. Identifiers: Orphanet 567, MedGen C0012236, MONDO:0008564, OMIM 188400.

Submission:

Labcorp Genetics (formerly Invitae), Labcorp
Classification: Uncertain significance for DiGeorge syndrome. Last evaluated: 2023-08-22. Review status: criteria provided, single submitter. Criteria: Invitae Variant Classification Sherloc (09022015). Collection method: clinical testing. Allele origin: germline.
Comment: In summary, the available evidence is currently insufficient to determine the role of this variant in disease. Therefore, it has been classified as a Variant of Uncertain Significance. This variant disrupts a region of the TBX1 protein in which other variant(s) (p.Tyr490Cys) have been observed in individuals with TBX1-related conditions (PMID: 32045288). This suggests that this is a clinically significant region of the protein, and that variants that disrupt it are likely to be disease-causing. This variant has not been reported in the literature in individuals affected with TBX1-related conditions. This variant is not present in population databases (gnomAD no frequency). This sequence change results in a frameshift in the TBX1 gene (p.Ala463Argfs*153). While this is not anticipated to result in nonsense mediated decay, it is expected to disrupt the last 33 amino acid(s) of the TBX1 protein and extend the protein by 119 additional amino acid residues.

Literature cited by the submitters: PubMed 32045288.